The following is an entry in ClinVar:

ClinVar aggregate classification (germline): Conflicting classifications of pathogenicity. Review status: criteria provided, conflicting classifications (1 of 4 stars). 4 submissions from 4 submitters: Uncertain significance (2); Likely benign (1). 1 of the submissions does not count toward it. Last evaluated 2026-01-25.

Conditions:
Usher syndrome type 1 (USH1). Also called: RETINITIS PIGMENTOSA AND CONGENITAL DEAFNESS. Identifiers: Orphanet 231169, Orphanet 886, MedGen C1568247, MONDO:0010168, OMIM 276900.

Allele frequency attached by ClinVar (database versions not stated): TOPMed 0.00002; gnomAD 0.00005 and 0.00004; gnomAD exomes 0.00012 and 0.00018; 1000 Genomes Project 30x 0.00016; 1000 Genomes Project 0.00020; ExAC 0.00024.
gnomAD v4.1: 177 of 1,612,062 alleles (0.011%); highest among the groups gnomAD compares: South Asian, 0.076%; no homozygotes.

Submissions (4):

Labcorp Genetics (formerly Invitae), Labcorp
Classification: Likely benign. Last evaluated: 2026-01-25. Review status: criteria provided, single submitter. Criteria: Invitae Variant Classification Sherloc (09022015). Collection method: clinical testing. Allele origin: germline.

GeneDx
Classification: Uncertain significance. Last evaluated: 2025-07-22. Review status: criteria provided, single submitter. Criteria: GeneDx Variant Classification Process June 2021. Collection method: clinical testing. Allele origin: germline. Affected: yes.
Comment: In silico analysis supports that this missense variant has a deleterious effect on protein structure/function; Has not been previously published as pathogenic or benign to our knowledge

Blueprint Genetics
Classification: Uncertain significance. Last evaluated: 2023-03-13. Review status: criteria provided, single submitter. Criteria: ACMG Guidelines, 2015. Collection method: clinical testing. Allele origin: germline.

Natera, Inc.
Classification: Uncertain significance for Usher syndrome type 1. Last evaluated: 2020-02-13. Review status: no assertion criteria provided. Collection method: clinical testing. Allele origin: germline. Not counted in ClinVar's aggregate classification.

NM_022124.6(CDH23):c.4738C>T (p.Arg1580Cys)

Gene: CDH23 (cadherin related 23; plus strand). Cytogenetic location: 10q22.1.
Variant type: single nucleotide variant.
Coding change: c.4738C>T on transcript NM_022124.6 (MANE Select); coding-DNA position 4738, C replaced by T.
Protein change: p.Arg1580Cys; replaces arginine 1580 with cysteine.
Molecular consequence: missense variant.
Genome position (GRCh38, 1-based): chr10:71,741,814, C>T. VCF-style: chr10-71741814-C-T. GRCh37 (hg19) VCF-style: chr10-73501571-C-T.
Other names: short protein forms R1580C.
Identifiers: ClinVar variation 948496 (VCV000948496.11), dbSNP rs555430482, ClinGen allele CA5545136.